The following is an entry in ClinVar:

NM_001256012.3(MYH10):c.4753G>A (p.Glu1585Lys)

Gene: MYH10 (myosin heavy chain 10; minus strand). Cytogenetic location: 17p13.1.
Variant type: single nucleotide variant.
Coding change: c.4753G>A on transcript NM_001256012.3 (MANE Select); coding-DNA position 4753, G replaced by A.
Protein change: p.Glu1585Lys; replaces glutamic acid 1585 with lysine.
Molecular consequence: missense variant.
Genome position (GRCh38, 1-based): chr17:8,490,471, C>T on the plus strand (G>A on the coding strand, the complement: MYH10 is on the minus strand). VCF-style: chr17-8490471-C-T. GRCh37 (hg19) VCF-style: chr17-8393789-C-T.
Other names: c.4687G>A, p.Glu1563Lys (NM_001256095.2); c.4690G>A, p.Glu1564Lys (NM_001375266.1); c.4660G>A, p.Glu1554Lys (NM_005964.5); short protein forms E1563K, E1554K, E1564K, E1585K.
Identifiers: ClinVar variation 4994266 (VCV004994266.1).

ClinVar aggregate classification (germline): Uncertain significance (1 of 4 stars; one submission).

Conditions:
MYH10-related disorder. Also called: MYH10-related condition.

gnomAD v4.1: 1 of 1,614,192 alleles (0.000062%); highest among the groups gnomAD compares: East Asian, 0.0022%; no homozygotes.

Submission:

PreventionGenetics, part of Exact Sciences
Classification: Uncertain significance for MYH10-related condition. Last evaluated: 2025-11-29. Review status: criteria provided, single submitter. Criteria: ACMG Guidelines, 2015. Collection method: clinical testing. Allele origin: germline.
Comment: The MYH10 c.4753G>A variant is predicted to result in the amino acid substitution p.Glu1585Lys. To our knowledge, this variant has not been reported in the literature or in a large population database (gnomAD), indicating this variant is rare. At this time, the clinical significance of this variant is uncertain due to the absence of conclusive functional and genetic evidence.